The following is an entry in ClinVar:

NM_001378778.1(MPDZ):c.3259A>G (p.Thr1087Ala)

Gene: MPDZ (multiple PDZ domain crumbs cell polarity complex component; minus strand). Cytogenetic location: 9p23.
Variant type: single nucleotide variant.
Coding change: c.3259A>G on transcript NM_001378778.1 (MANE Select); coding-DNA position 3259, A replaced by G.
Protein change: p.Thr1087Ala; replaces threonine 1087 with alanine.
Molecular consequence: missense variant. On other transcripts: intron variant (1).
Genome position (GRCh38, 1-based): chr9:13,162,791, T>C on the plus strand (A>G on the coding strand, the complement: MPDZ is on the minus strand). VCF-style: chr9-13162791-T-C. GRCh37 (hg19) VCF-style: chr9-13162790-T-C.
Other names: c.3259A>G, p.Thr1087Ala (NM_001261406.2, NM_001261407.2, NM_001330637.2 and 13 more transcripts); c.3254+5575A>G (NM_001375427.1); c.3259A>G (NM_003829.3); short protein forms T1087A.
Identifiers: ClinVar variation 1352601 (VCV001352601.5), dbSNP rs763589304, ClinGen allele CA4987185.

ClinVar aggregate classification (germline): Uncertain significance. Review status: criteria provided, multiple submitters, no conflicts (2 of 4 stars). 2 submissions from 2 submitters: Uncertain significance (2). Last evaluated 2024-11-05.

Conditions:
Inborn genetic diseases. Identifiers: MedGen C0950123, MeSH D030342.

Allele frequency attached by ClinVar (database versions not stated): ExAC 0.00001; gnomAD exomes 0.00001 and 0.00002; gnomAD 0.00003 and 0.00005; TOPMed 0.00005.
gnomAD v4.1: 15 of 1,606,790 alleles (0.00093%); highest among the groups gnomAD compares: African/African-American, 0.019%; no homozygotes.

Submissions (2):

Labcorp Genetics (formerly Invitae), Labcorp
Classification: Uncertain significance. Last evaluated: 2024-11-05. Review status: criteria provided, single submitter. Criteria: Invitae Variant Classification Sherloc (09022015). Collection method: clinical testing. Allele origin: germline.
Comment: This sequence change replaces threonine, which is neutral and polar, with alanine, which is neutral and non-polar, at codon 1087 of the MPDZ protein (p.Thr1087Ala). This variant is present in population databases (rs763589304, gnomAD 0.03%). This variant has not been reported in the literature in individuals affected with MPDZ-related conditions. ClinVar contains an entry for this variant (Variation ID: 1352601). An algorithm developed to predict the effect of missense changes on protein structure and function (PolyPhen-2) suggests that this variant¬†is likely to be tolerated. In summary, the available evidence is currently insufficient to determine the role of this variant in disease. Therefore, it has been classified as a Variant of Uncertain Significance.

Ambry Genetics
Classification: Uncertain significance for Inborn genetic diseases. Last evaluated: 2024-01-30. Review status: criteria provided, single submitter. Criteria: Ambry Variant Classification Scheme 2023. Collection method: clinical testing. Allele origin: germline.